The following is an entry in ClinVar:

ClinVar aggregate classification (germline): Uncertain significance. Review status: criteria provided, multiple submitters, no conflicts (2 of 4 stars). 2 submissions from 2 submitters: Uncertain significance (2). Last evaluated 2025-01-10.

Conditions:
TTN-related disorder. Also called: TTN-related disorders; TTN-related condition; TTN-related disease.

gnomAD v4.1: 36 of 1,612,170 alleles (0.0022%); highest among the groups gnomAD compares: East Asian, 0.011%; no homozygotes.

Submissions (2):

PreventionGenetics, part of Exact Sciences
Classification: Uncertain significance for TTN-related condition. Last evaluated: 2025-01-10. Review status: criteria provided, single submitter. Criteria: ACMG Guidelines, 2015. Collection method: clinical testing. Allele origin: germline.
Comment: The TTN c.11806C>T variant is predicted to result in premature protein termination (p.Arg3936*). To our knowledge, this variant has not been reported in the literature. This variant is located in exon 46 of the Novex-3 transcript (minor small cardiac isoform) which is the last exon of this transcript. This exon is not included in any other TTN transcripts (principle cardiac or skeletal muscle isoforms) and would be referred to as c.11311+2530C>T with NM_001267550. Several TTN truncating variants in this exon have been reported in presumably healthy control individuals (Table S8, Roberts et al. 2015. PubMed ID: 25589632). This variant is reported in 0.020% of alleles in individuals of East Asian descent in gnomAD. At this time, the clinical significance of this variant is uncertain due to the absence of conclusive functional and genetic evidence.

Blueprint Genetics
Classification: Uncertain significance. Last evaluated: 2024-04-30. Review status: criteria provided, single submitter. Criteria: ACMG Guidelines, 2015. Collection method: clinical testing. Allele origin: germline.

NM_001267550.2(TTN):c.11311+2530C>T

Gene: TTN (titin; minus strand). Cytogenetic location: 2q31.2.
Variant type: single nucleotide variant.
Coding change: c.11311+2530C>T on transcript NM_001267550.2 (MANE Select); 2530 bases into the intron after coding-DNA position 11311, C replaced by T.
Molecular consequence: intron variant. On other transcripts: nonsense (1).
Genome position (GRCh38, 1-based): chr2:178,750,594, G>A on the plus strand (C>T on the coding strand, the complement: TTN is on the minus strand). VCF-style: chr2-178750594-G-A. GRCh37 (hg19) VCF-style: chr2-179615321-G-A.
Other names: c.11806C>T, p.Arg3936Ter (NM_133379.5); c.10222+2530C>T (NM_003319.4); c.10798+2530C>T (NM_133437.4); c.10597+2530C>T (NM_133432.3); c.10360+2530C>T (NM_133378.4, NM_001256850.1); short protein forms R3936*.
Identifiers: ClinVar variation 4958744 (VCV004958744.2).